The following is an entry in ClinVar:

ClinVar aggregate classification (germline): Pathogenic (1 of 4 stars; one submission).

Conditions:
Ataxia-telangiectasia syndrome (AT). Also called: Cerebello-oculocutaneous telangiectasia; Immunodeficiency with ataxia telangiectasia; ATAXIA-TELANGIECTASIA, FRESNO VARIANT; Ataxia-telangiectasia, complementation group D; Ataxia telangiectasia (A-T); LOUIS-BAR SYNDROME. Identifiers: Orphanet 100, MedGen C0004135, MONDO:0008840, OMIM 208900.

Submission:

Labcorp Genetics (formerly Invitae), Labcorp
Classification: Pathogenic for Ataxia-telangiectasia syndrome. Last evaluated: 2020-09-28. Review status: criteria provided, single submitter. Criteria: Invitae Variant Classification Sherloc (09022015). Collection method: clinical testing. Allele origin: germline.
Comment: This sequence change creates a premature translational stop signal (p.Val539Tyrfs*16) in the ATM gene. It is expected to result in an absent or disrupted protein product. This variant is not present in population databases (ExAC no frequency). This variant has not been reported in the literature in individuals with ATM-related conditions. Loss-of-function variants in ATM are known to be pathogenic (PMID: 23807571, 25614872). For these reasons, this variant has been classified as Pathogenic.

Literature cited by the submitters: PubMed 23807571; PubMed 25614872.

NM_000051.4(ATM):c.1614_1645del (p.Val539fs)

Gene: ATM (ATM serine/threonine kinase; plus strand). Cytogenetic location: 11q22.3.
Variant type: Deletion.
Coding change: c.1614_1645del on transcript NM_000051.4 (MANE Select); coding-DNA positions 1614 to 1645, 32 bases deleted.
Protein change: p.Val539fs; shifts the reading frame from valine 539.
Molecular consequence: frameshift variant.
Genome position (GRCh38, 1-based): chr11:108,251,843-108,251,874, 32 bases deleted. GRCh37 (hg19): chr11:108,122,570-108,122,601.
Other names: c.1614_1645del, p.Val539fs (NM_001351834.2); short protein forms V539fs.
Identifiers: ClinVar variation 1073937 (VCV001073937.7), dbSNP rs2135338847, ClinGen allele CA2499220570.
Genomic context (GRCh38, chr11:108,251,842, plus strand): 5'-AGTCTTTGCCCCTCCAATAGCTTGCTTTTCACAATTGTCCTTTGTTTTGTTATAGTCCTG[CAGTATGCTGTTTGACTTTGGCACTGACCACCA>C]GTATAGTTCCAGGAACGGTAAAAATGGGAATAGAGCAAAATATGTGTGAAGTAAATAGAA-3'